The following is an entry in ClinVar:

ClinVar aggregate classification (germline): Benign/Likely benign. Review status: criteria provided, multiple submitters, no conflicts (2 of 4 stars). 2 submissions from 2 submitters: Benign (1); Likely benign (1). Last evaluated 2024-11-22.

Allele frequency attached by ClinVar (database versions not stated): 1000 Genomes Project 0.00080; 1000 Genomes Project 30x 0.00187; TOPMed 0.00762; gnomAD 0.00765; ExAC 0.02083.

Submissions (2):

Blueprint Genetics
Classification: Likely benign. Last evaluated: 2024-11-22. Review status: criteria provided, single submitter. Criteria: ACMG Guidelines, 2015. Collection method: clinical testing. Allele origin: germline.

CeGaT Center for Human Genetics Tuebingen
Classification: Benign. Last evaluated: 2024-07-01. Review status: criteria provided, single submitter. Criteria: CeGaT Center For Human Genetics Tuebingen Variant Classification Criteria Version 2. Collection method: clinical testing. Allele origin: germline. Affected: yes. Observed: 5 variant alleles.
Comment: FOXE1: BP4, BP7, BS1, BS2

NM_004473.4(FOXE1):c.585C>T (p.Ala195=)

Gene: FOXE1 (forkhead box E1; plus strand). Cytogenetic location: 9q22.33.
Variant type: single nucleotide variant.
Coding change: c.585C>T on transcript NM_004473.4 (MANE Select); coding-DNA position 585, C replaced by T.
Protein change: p.Ala195=; no amino-acid change (alanine 195 retained).
Molecular consequence: synonymous variant.
Genome position (GRCh38, 1-based): chr9:97,854,499, C>T. VCF-style: chr9-97854499-C-T. GRCh37 (hg19) VCF-style: chr9-100616781-C-T.
Identifiers: ClinVar variation 2659342 (VCV002659342.25), dbSNP rs537210706, ClinGen allele CA5149131.